The following is an entry in ClinVar:

ClinVar aggregate classification (germline): Conflicting classifications of pathogenicity. Review status: criteria provided, conflicting classifications (1 of 4 stars). 2 submissions from 2 submitters: Likely pathogenic (1); Uncertain significance (1). Last evaluated 2023-09-13.

Conditions:
Polycystic kidney disease, adult type (PKD1). Also called: Polycystic Kidney Disease 1, Autosomal Dominant; Polycystic kidney disease 1; Polycystic kidney disease 1, severe; Polycystic Kidney, Autosomal Dominant; POLYCYSTIC KIDNEY DISEASE 1 WITH OR WITHOUT POLYCYSTIC LIVER DISEASE; POLYCYSTIC KIDNEY DISEASE, ADULT, TYPE I. Identifiers: MedGen C3149841, MONDO:0008263, OMIM 173900.

Allele frequency attached by ClinVar (database versions not stated): gnomAD 0.00001; TOPMed 0.00001.

Submissions (2):

Blueprint Genetics
Classification: Uncertain significance. Last evaluated: 2023-09-13. Review status: criteria provided, single submitter. Criteria: ACMG Guidelines, 2015. Collection method: clinical testing. Allele origin: germline.

Laboratory of Medical Genetics, National & Kapodistrian University of Athens
Classification: Likely pathogenic for Polycystic kidney disease, adult type. Last evaluated: 2021-10-06. Review status: criteria provided, single submitter. Criteria: ACMG Guidelines, 2015. Collection method: clinical testing. Allele origin: unknown. Affected: yes.
Comment: PM1, PM2, PP3, PP4

Literature cited by the submitters: PubMed 34008892 (cited by Laboratory of Medical Genetics, National & Kapodistrian University of Athens).

NM_001009944.3(PKD1):c.9986C>T (p.Ser3329Phe)

Gene: PKD1 (polycystin 1, transient receptor potential channel interacting; minus strand). Cytogenetic location: 16p13.3.
Variant type: single nucleotide variant.
Coding change: c.9986C>T on transcript NM_001009944.3 (MANE Select); coding-DNA position 9986, C replaced by T.
Protein change: p.Ser3329Phe; replaces serine 3329 with phenylalanine.
Molecular consequence: missense variant.
Genome position (GRCh38, 1-based): chr16:2,099,708, G>A on the plus strand (C>T on the coding strand, the complement: PKD1 is on the minus strand). VCF-style: chr16-2099708-G-A. GRCh37 (hg19) VCF-style: chr16-2149709-G-A.
Other names: c.9986C>T, p.Ser3329Phe (NM_000296.4); short protein forms S3329F.
Identifiers: ClinVar variation 1299610 (VCV001299610.2), dbSNP rs1203304646, ClinGen allele CA394352214.